The following is an entry in ClinVar:

NM_000059.4(BRCA2):c.6501A>C (p.Leu2167Phe)

Gene: BRCA2 (BRCA2 DNA repair associated; plus strand). Cytogenetic location: 13q13.1.
Variant type: single nucleotide variant.
Coding change: c.6501A>C on transcript NM_000059.4 (MANE Select); coding-DNA position 6501, A replaced by C.
Protein change: p.Leu2167Phe; replaces leucine 2167 with phenylalanine.
Molecular consequence: missense variant. On other transcripts: non-coding transcript variant (1), intron variant (2).
Genome position (GRCh38, 1-based): chr13:32,340,856, A>C. VCF-style: chr13-32340856-A-C. GRCh37 (hg19) VCF-style: chr13-32914993-A-C.
Other names: c.6501A>C, p.Leu2167Phe (NM_001406719.1, NM_001406720.1, NM_001432077.1); c.1910-3702A>C (NM_001406721.1); c.425-3702A>C (NM_001406722.1); short protein forms L2167F.
Identifiers: ClinVar variation 4781920 (VCV004781920.1).

ClinVar aggregate classification (germline): Uncertain significance (1 of 4 stars; one submission).

Conditions:
Hereditary breast ovarian cancer syndrome. Also called: Hereditary breast and ovarian cancer syndrome; Hereditary breast and ovarian cancer syndrome (HBOC); BRCA1- and BRCA2-Associated Hereditary Breast and Ovarian Cancer; Breast and ovarian cancer; Hereditary breast and ovarian cancer; Hereditary breast and/or ovarian cancer syndrome. Identifiers: Orphanet 145, MedGen C0677776, MeSH D061325, MONDO:0003582. Disease mechanism: loss of function.

Submission:

Labcorp Genetics (formerly Invitae), Labcorp
Classification: Uncertain significance for Hereditary breast ovarian cancer syndrome. Last evaluated: 2025-08-29. Review status: criteria provided, single submitter. Criteria: Invitae Variant Classification Sherloc (09022015). Collection method: clinical testing. Allele origin: germline.
Comment: This sequence change replaces leucine, which is neutral and non-polar, with phenylalanine, which is neutral and non-polar, at codon 2167 of the BRCA2 protein (p.Leu2167Phe). This variant is not present in population databases (gnomAD no frequency). This variant has not been reported in the literature in individuals affected with BRCA2-related conditions. Invitae Evidence Modeling of protein sequence and biophysical properties (such as structural, functional, and spatial information, amino acid conservation, physicochemical variation, residue mobility, and thermodynamic stability) indicates that this missense variant is not expected to disrupt BRCA2 protein function with a negative predictive value of 95%. In summary, the available evidence is currently insufficient to determine the role of this variant in disease. Therefore, it has been classified as a Variant of Uncertain Significance.